The following is an entry in ClinVar:

NM_024649.5(BBS1):c.1110+3G>C

Genes: BBS1 (Bardet-Biedl syndrome 1; plus strand), ZDHHC24 (zDHHC palmitoyltransferase 24; minus strand). Cytogenetic location: 11q13.2.
Variant type: single nucleotide variant.
Coding change: c.1110+3G>C on transcript NM_024649.5 (MANE Select); 3 bases into the intron after coding-DNA position 1110, G replaced by C.
Molecular consequence: intron variant.
Genome position (GRCh38, 1-based): chr11:66,523,885, G>C. VCF-style: chr11-66523885-G-C. GRCh37 (hg19) VCF-style: chr11-66291356-G-C.
Other names: c.*22-2419C>G (NM_001348571.2).
Identifiers: ClinVar variation 635996 (VCV000635996.8), dbSNP rs762276925, ClinGen allele CA224077259.

ClinVar aggregate classification (germline): Pathogenic/Likely pathogenic. Review status: criteria provided, multiple submitters, no conflicts (2 of 4 stars). 4 submissions from 3 submitters: Pathogenic (1); Likely pathogenic (1). 2 of the submissions do not count toward it. Last evaluated 2025-04-15.

Conditions:
Retinitis pigmentosa (RP). Identifiers: Orphanet 791, MedGen C0035334, MeSH D012174, MONDO:0019200, OMIM 268000. Inheritance: Autosomal dominant, autosomal recessive and X linked inheritance.
Bardet-Biedl syndrome (BBS). Identifiers: Orphanet 110, MedGen C0752166, MONDO:0015229.
Bardet-Biedl syndrome 1 (BBS1). Identifiers: MedGen C2936862, MONDO:0008854, OMIM 209900. Disease mechanism: loss of function.

Allele frequency attached by ClinVar (database versions not stated): TOPMed 0.00001.
gnomAD v4.1: 3 of 1,612,828 alleles (0.00019%); highest among the groups gnomAD compares: Non-Finnish European, 0.00025%; no homozygotes.

Submissions (4):

Natera, Inc.
Classification: Likely pathogenic for Bardet-Biedl syndrome type 1. Last evaluated: 2025-04-15. Review status: criteria provided, single submitter. Criteria: Natera Variant Classification Schema (03/2026). Collection method: clinical testing. Allele origin: germline.
Comment: The c.1110+3G>C variant in BBS1 is an intronic variant located outside the canonical splice sites. This variant is rare in the general population with a frequency below the threshold expected for the associated phenotype(s). This variant has been observed in one or more individuals affected with the associated recessive disease, as either homozygous or compound heterozygous with a second variant (PMID: 18669544). Additionally, this variant has been observed to segregate in affected family members (PMID: 18669544). Computational prediction algorithms indicate this variant is likely to affect gene or protein function. Given the available evidence, this variant is classified as Likely Pathogenic.

Labcorp Genetics (formerly Invitae), Labcorp
Classification: Pathogenic for Bardet-Biedl syndrome. Last evaluated: 2023-02-18. Review status: criteria provided, single submitter. Criteria: Invitae Variant Classification Sherloc (09022015). Collection method: clinical testing. Allele origin: germline.
Comment: For these reasons, this variant has been classified as Pathogenic. Variants that disrupt the consensus splice site are a relatively common cause of aberrant splicing (PMID: 17576681, 9536098). Studies have shown that this variant results in the activation of a cryptic splice site in exon 11 (PMID: 18669544). ClinVar contains an entry for this variant (Variation ID: 635996). This variant is also known as 1091+3G>C. This variant has been observed in individual(s) with Bardet–Biedl syndrome (PMID: 18669544). This variant is not present in population databases (gnomAD no frequency). This sequence change falls in intron 11 of the BBS1 gene. It does not directly change the encoded amino acid sequence of the BBS1 protein. RNA analysis indicates that this variant induces altered splicing and likely results in the loss of 16 amino acid residue(s), but is expected to preserve the integrity of the reading-frame.

Department of Clinical Genetics, Copenhagen University Hospital, Rigshospitalet
Classification: Likely pathogenic for Bardet-Biedl syndrome. Last evaluated: 2018-04-01. Review status: no assertion criteria provided. Collection method: research. Allele origin: unknown. Affected: yes. Study: VeluxRD. Not counted in ClinVar's aggregate classification.

Department of Clinical Genetics, Copenhagen University Hospital, Rigshospitalet
Classification: Likely pathogenic for Retinitis pigmentosa. Last evaluated: 2018-04-01. Review status: no assertion criteria provided. Collection method: research. Allele origin: unknown. Affected: yes. Study: VeluxRD. Not counted in ClinVar's aggregate classification.

Literature cited by the submitters: PubMed 18669544 (cited by Natera, Inc. and Labcorp Genetics (formerly Invitae), Labcorp); PubMed 17576681 (cited by Labcorp Genetics (formerly Invitae), Labcorp); PubMed 9536098 (cited by Labcorp Genetics (formerly Invitae), Labcorp); PubMed 30718709 (cited by Department of Clinical Genetics, Copenhagen University Hospital, Rigshospitalet).